The following is an entry in ClinVar:

ClinVar aggregate classification (germline): Uncertain significance (1 of 4 stars; one submission).

Conditions:
Neuroblastoma, susceptibility to, 3. Also called: ALK-Related Neuroblastic Tumor Susceptibility. Identifiers: Orphanet 635, MedGen C2751681, MONDO:0013083, OMIM 613014.

Submission:

Labcorp Genetics (formerly Invitae), Labcorp
Classification: Uncertain significance for Neuroblastoma, susceptibility to, 3. Last evaluated: 2025-05-27. Review status: criteria provided, single submitter. Criteria: Invitae Variant Classification Sherloc (09022015). Collection method: clinical testing. Allele origin: germline.
Comment: This sequence change replaces glycine, which is neutral and non-polar, with arginine, which is basic and polar, at codon 2 of the ALK protein (p.Gly2Arg). This variant is not present in population databases (gnomAD no frequency). This variant has not been reported in the literature in individuals affected with ALK-related conditions. ClinVar contains an entry for this variant (Variation ID: 962598). An algorithm developed to predict the effect of missense changes on protein structure and function outputs the following: PolyPhen-2: "Benign". The arginine amino acid residue is found in multiple mammalian species, which suggests that this missense change does not adversely affect protein function. In summary, the available evidence is currently insufficient to determine the role of this variant in disease. Therefore, it has been classified as a Variant of Uncertain Significance.

NM_004304.5(ALK):c.4G>A (p.Gly2Arg)

Gene: ALK (ALK receptor tyrosine kinase; minus strand). Cytogenetic location: 2p23.1.
Variant type: single nucleotide variant.
Coding change: c.4G>A on transcript NM_004304.5 (MANE Select); coding-DNA position 4, G replaced by A.
Protein change: p.Gly2Arg; replaces glycine 2 with arginine.
Molecular consequence: missense variant.
Genome position (GRCh38, 1-based): chr2:29,920,656, C>T on the plus strand (G>A on the coding strand, the complement: ALK is on the minus strand). VCF-style: chr2-29920656-C-T. GRCh37 (hg19) VCF-style: chr2-30143522-C-T.
Other names: short protein forms G2R.
Identifiers: ClinVar variation 962598 (VCV000962598.9), dbSNP rs1667974338, ClinGen allele CA346590871.